The following is an entry in ClinVar:

ClinVar aggregate classification (germline): Uncertain significance (1 of 4 stars; one submission).

Conditions:
Early-infantile DEE. Also called: Early infantile epileptic encephalopathy; Early infantile epileptic encephalopathy with suppression bursts; Ohtahara syndrome. Identifiers: Orphanet 1934, MedGen C0393706, MONDO:0800491.

gnomAD v4.1: 2 of 1,614,192 alleles (0.00012%); highest among the groups gnomAD compares: Non-Finnish European, 0.00017%; no homozygotes.

Submission:

Labcorp Genetics (formerly Invitae), Labcorp
Classification: Uncertain significance for Early-infantile DEE. Last evaluated: 2024-05-06. Review status: criteria provided, single submitter. Criteria: Invitae Variant Classification Sherloc (09022015). Collection method: clinical testing. Allele origin: germline.
Comment: This sequence change falls in intron 33 of the SPTAN1 gene. It does not directly change the encoded amino acid sequence of the SPTAN1 protein. It affects a nucleotide within the consensus splice site. This variant is not present in population databases (gnomAD no frequency). This variant has not been reported in the literature in individuals affected with SPTAN1-related conditions. ClinVar contains an entry for this variant (Variation ID: 2110253). Variants that disrupt the consensus splice site are a relatively common cause of aberrant splicing (PMID: 17576681, 9536098). Algorithms developed to predict the effect of sequence changes on RNA splicing suggest that this variant may disrupt the consensus splice site. In summary, the available evidence is currently insufficient to determine the role of this variant in disease. Therefore, it has been classified as a Variant of Uncertain Significance.

Literature cited by the submitters: PubMed 17576681; PubMed 9536098.

NM_001130438.3(SPTAN1):c.4344+5G>C

Gene: SPTAN1 (spectrin alpha, non-erythrocytic 1; plus strand). Cytogenetic location: 9q34.11.
Variant type: single nucleotide variant.
Coding change: c.4344+5G>C on transcript NM_001130438.3 (MANE Select); 5 bases into the intron after coding-DNA position 4344, G replaced by C.
Molecular consequence: intron variant.
Genome position (GRCh38, 1-based): chr9:128,608,054, G>C. VCF-style: chr9-128608054-G-C. GRCh37 (hg19) VCF-style: chr9-131370333-G-C.
Other names: c.4380+5G>C (NM_001375318.1, NM_001375312.2); c.4344+5G>C (NM_001375311.2, NM_001375310.1, NM_001363759.2 and 2 more transcripts); c.4284+5G>C (NM_001375314.2, NM_001363765.2, NM_001195532.2).
Identifiers: ClinVar variation 2110253 (VCV002110253.4), dbSNP rs2541753748, ClinGen allele CA2580079740.